The following is an entry in ClinVar:

ClinVar aggregate classification (germline): Likely pathogenic (1 of 4 stars; one submission).

Conditions:
2-aminoadipic 2-oxoadipic aciduria (AAKAD). Also called: Aminoadipic aciduria; ALPHA-AMINOADIPIC AND ALPHA-KETOADIPIC ACIDURIA. Identifiers: Orphanet 79154, MedGen C1859817, MONDO:0008774, OMIM 204750.

gnomAD v4.1: 4 of 1,612,644 alleles (0.00025%); highest among the groups gnomAD compares: Non-Finnish European, 0.00025%; no homozygotes.

Submission:

Department of Molecular Genetics, Istishari Arab Hospital
Classification: Likely pathogenic for 2-aminoadipic 2-oxoadipic aciduria. Last evaluated: 2026-07-20. Review status: criteria provided, single submitter. Criteria: ACMG Guidelines, 2015. Collection method: clinical testing. Allele origin: germline. Inheritance: Autosomal recessive inheritance. Affected: yes.
Comment: The DHTKD1 variant c.2573-2A>G affects the canonical splice acceptor site and is predicted to disrupt normal splicing. This variant was observed with very low frequency in the gnomAD v4.1.0 dataset (<0.001), and to the best of our knowledge, it was not previously reported in the literature. It is classified as likely pathogenic based on the implementation of the ACMG/AMP/ClinGen SVI guidelines.

NM_018706.7(DHTKD1):c.2573-2A>G

Gene: DHTKD1 (dehydrogenase E1 and transketolase domain containing 1; plus strand). Cytogenetic location: 10p14.
Variant type: single nucleotide variant.
Coding change: c.2573-2A>G on transcript NM_018706.7 (MANE Select); the canonical splice acceptor site of the intron before coding-DNA position 2573, A replaced by G.
Molecular consequence: splice acceptor variant.
Genome position (GRCh38, 1-based): chr10:12,120,180, A>G. VCF-style: chr10-12120180-A-G. GRCh37 (hg19) VCF-style: chr10-12162179-A-G.
Identifiers: ClinVar variation 4879329 (VCV004879329.1).